The following is an entry in ClinVar:

ClinVar aggregate classification (germline): Likely benign. Review status: criteria provided, multiple submitters, no conflicts (2 of 4 stars). 3 submissions from 3 submitters: Likely benign (3). Last evaluated 2026-01-12.

Conditions:
Familial thoracic aortic aneurysm and aortic dissection (TAAD). Also called: Thoracic aortic aneurysms and dissections. Identifiers: Orphanet 91387, MedGen C4707243, MONDO:0019625.
Aortic aneurysm, familial thoracic 7 (AAT7). Also called: AORTIC DISSECTION, FAMILIAL, WITH OR WITHOUT AORTIC ANEURYSM. Identifiers: MedGen C3151077, MONDO:0013418, OMIM 613780.

gnomAD v4.1: 1 of 1,613,998 alleles (0.000062%); highest among the groups gnomAD compares: Non-Finnish European, 0.000085%; no homozygotes.

Submissions (3):

Labcorp Genetics (formerly Invitae), Labcorp
Classification: Likely benign for Aortic aneurysm, familial thoracic 7. Last evaluated: 2026-01-12. Review status: criteria provided, single submitter. Criteria: Invitae Variant Classification Sherloc (09022015). Collection method: clinical testing. Allele origin: germline.

CeGaT Center for Human Genetics Tuebingen
Classification: Likely benign. Last evaluated: 2025-09-01. Review status: criteria provided, single submitter. Criteria: CeGaT Center For Human Genetics Tuebingen Variant Classification Criteria Version 2. Collection method: clinical testing. Allele origin: germline. Affected: yes. Observed: 1 variant allele.
Comment: MYLK: BP4, BP7

Ambry Genetics
Classification: Likely benign for Familial thoracic aortic aneurysm and aortic dissection. Last evaluated: 2015-08-30. Review status: criteria provided, single submitter. Criteria: Ambry Variant Classification Scheme 2023. Collection method: clinical testing. Allele origin: germline.

NM_053025.4(MYLK):c.4026C>T (p.Asp1342=)

Gene: MYLK (myosin light chain kinase; minus strand). Cytogenetic location: 3q21.1.
Variant type: single nucleotide variant.
Coding change: c.4026C>T on transcript NM_053025.4 (MANE Select); coding-DNA position 4026, C replaced by T.
Protein change: p.Asp1342=; no amino-acid change (aspartic acid 1342 retained).
Molecular consequence: synonymous variant.
Genome position (GRCh38, 1-based): chr3:123,657,388, G>A on the plus strand (C>T on the coding strand, the complement: MYLK is on the minus strand). VCF-style: chr3-123657388-G-A. GRCh37 (hg19) VCF-style: chr3-123376235-G-A.
Other names: c.3498C>T, p.Asp1166= (NM_001321309.2); c.3819C>T, p.Asp1273= (NM_053026.4, NM_053028.4); c.4026C>T, p.Asp1342= (NM_053027.4).
Identifiers: ClinVar variation 264287 (VCV000264287.13), dbSNP rs886039112, ClinGen allele CA10587555.